The following is an entry in ClinVar:

NM_000494.4(COL17A1):c.2164+4A>G

Gene: COL17A1 (collagen type XVII alpha 1 chain; minus strand). Cytogenetic location: 10q25.1.
Variant type: single nucleotide variant.
Coding change: c.2164+4A>G on transcript NM_000494.4 (MANE Select); 4 bases into the intron after coding-DNA position 2164, A replaced by G.
Molecular consequence: intron variant.
Genome position (GRCh38, 1-based): chr10:104,050,085, T>C on the plus strand (A>G on the coding strand, the complement: COL17A1 is on the minus strand). VCF-style: chr10-104050085-T-C. GRCh37 (hg19) VCF-style: chr10-105809843-T-C.
Identifiers: ClinVar variation 4777093 (VCV004777093.1).

ClinVar aggregate classification (germline): Uncertain significance (1 of 4 stars; one submission).

gnomAD v4.1: 1 of 1,614,046 alleles (0.000062%); highest among the groups gnomAD compares: African/African-American, 0.0013%; no homozygotes.

Submission:

Labcorp Genetics (formerly Invitae), Labcorp
Classification: Uncertain significance. Last evaluated: 2025-09-14. Review status: criteria provided, single submitter. Criteria: Invitae Variant Classification Sherloc (09022015). Collection method: clinical testing. Allele origin: germline.
Comment: This sequence change falls in intron 28 of the COL17A1 gene. It does not directly change the encoded amino acid sequence of the COL17A1 protein. It affects a nucleotide within the consensus splice site. This variant is present in population databases (no rsID available, gnomAD 0.01%). This variant has not been reported in the literature in individuals affected with COL17A1-related conditions. Variants that disrupt the consensus splice site are a relatively common cause of aberrant splicing (PMID: 17576681, 9536098). Algorithms developed to predict the effect of sequence changes on RNA splicing suggest that this variant may disrupt the consensus splice site. In summary, the available evidence is currently insufficient to determine the role of this variant in disease. Therefore, it has been classified as a Variant of Uncertain Significance.

Literature cited by the submitters: PubMed 17576681; PubMed 9536098.